The following is an entry in ClinVar:

ClinVar aggregate classification (germline): Uncertain significance (1 of 4 stars; one submission).

Conditions:
Inborn genetic diseases. Identifiers: MedGen C0950123, MeSH D030342.

Submission:

Ambry Genetics
Classification: Uncertain significance for Inborn genetic diseases. Last evaluated: 2024-11-22. Review status: criteria provided, single submitter. Criteria: Ambry Variant Classification Scheme 2023. Collection method: clinical testing. Allele origin: germline.
Comment: The p.A342P variant (also known as c.1024G>C), located in coding exon 5 of the SH2B3 gene, results from a G to C substitution at nucleotide position 1024. The alanine at codon 342 is replaced by proline, an amino acid with highly similar properties. This amino acid position is conserved. In addition, this alteration is predicted to be tolerated by in silico analysis. Based on the available evidence, the clinical significance of this variant remains unclear.

NM_005475.3(SH2B3):c.1024G>C (p.Ala342Pro)

Gene: SH2B3 (SH2B adaptor protein 3; plus strand). Cytogenetic location: 12q24.12.
Variant type: single nucleotide variant.
Coding change: c.1024G>C on transcript NM_005475.3 (MANE Select); coding-DNA position 1024, G replaced by C.
Protein change: p.Ala342Pro; replaces alanine 342 with proline.
Molecular consequence: missense variant.
Genome position (GRCh38, 1-based): chr12:111,447,332, G>C. VCF-style: chr12-111447332-G-C. GRCh37 (hg19) VCF-style: chr12-111885136-G-C.
Other names: c.418G>C, p.Ala140Pro (NM_001291424.1); short protein forms A140P, A342P.
Identifiers: ClinVar variation 3440767 (VCV003440767.1).